The following is an entry in ClinVar:

ClinVar aggregate classification (germline): Uncertain significance (1 of 4 stars; one submission).

Conditions:
Immunodeficiency, common variable, 2 (CVID2). Also called: ANTIBODY DEFICIENCY DUE TO TACI DEFECT; HYPOGAMMAGLOBULINEMIA DUE TO TACI DEFICIENCY. Identifiers: Orphanet 1572, MedGen C3150354, MONDO:0009413, OMIM 240500.

Allele frequency attached by ClinVar (database versions not stated): TOPMed below 0.00001; ExAC 0.00001; gnomAD exomes 0.00001.

Submission:

Labcorp Genetics (formerly Invitae), Labcorp
Classification: Uncertain significance for Immunodeficiency, common variable, 2. Last evaluated: 2025-05-06. Review status: criteria provided, single submitter. Criteria: Invitae Variant Classification Sherloc (09022015). Collection method: clinical testing. Allele origin: germline.
Comment: This sequence change replaces alanine, which is neutral and non-polar, with valine, which is neutral and non-polar, at codon 146 of the TNFRSF13B protein (p.Ala146Val). This variant is present in population databases (rs777717920, gnomAD 0.006%). This variant has not been reported in the literature in individuals affected with TNFRSF13B-related conditions. ClinVar contains an entry for this variant (Variation ID: 1921712). An algorithm developed to predict the effect of missense changes on protein structure and function outputs the following: PolyPhen-2: "Benign". The valine amino acid residue is found in multiple mammalian species, which suggests that this missense change does not adversely affect protein function. In summary, the available evidence is currently insufficient to determine the role of this variant in disease. Therefore, it has been classified as a Variant of Uncertain Significance.

NM_012452.3(TNFRSF13B):c.437C>T (p.Ala146Val)

Gene: TNFRSF13B (TNF receptor superfamily member 13B; minus strand). Cytogenetic location: 17p11.2.
Variant type: single nucleotide variant.
Coding change: c.437C>T on transcript NM_012452.3 (MANE Select); coding-DNA position 437, C replaced by T.
Protein change: p.Ala146Val; replaces alanine 146 with valine.
Molecular consequence: missense variant.
Genome position (GRCh38, 1-based): chr17:16,948,746, G>A on the plus strand (C>T on the coding strand, the complement: TNFRSF13B is on the minus strand). VCF-style: chr17-16948746-G-A. GRCh37 (hg19) VCF-style: chr17-16852060-G-A.
Other names: short protein forms A146V.
Identifiers: ClinVar variation 1921712 (VCV001921712.4), dbSNP rs777717920, ClinGen allele CA8414015.